The following is an entry in ClinVar:

NM_015570.4(AUTS2):c.1902+5G>A

Gene: AUTS2 (activator of transcription and developmental regulator AUTS2; plus strand). Cytogenetic location: 7q11.22.
Variant type: single nucleotide variant.
Coding change: c.1902+5G>A on transcript NM_015570.4 (MANE Select); 5 bases into the intron after coding-DNA position 1902, G replaced by A.
Molecular consequence: intron variant.
Genome position (GRCh38, 1-based): chr7:70,774,104, G>A. VCF-style: chr7-70774104-G-A. GRCh37 (hg19) VCF-style: chr7-70239090-G-A.
Other names: c.1831-1253G>A (NM_001127231.3).
Identifiers: ClinVar variation 3706075 (VCV003706075.2).

ClinVar aggregate classification (germline): Uncertain significance (1 of 4 stars; one submission).

gnomAD v4.1: 173 of 1,614,032 alleles (0.011%); highest among the groups gnomAD compares: Non-Finnish European, 0.014%; no homozygotes.

Submission:

Labcorp Genetics (formerly Invitae), Labcorp
Classification: Uncertain significance. Last evaluated: 2024-11-21. Review status: criteria provided, single submitter. Criteria: Invitae Variant Classification Sherloc (09022015). Collection method: clinical testing. Allele origin: germline.
Comment: This sequence change falls in intron 12 of the AUTS2 gene. It does not directly change the encoded amino acid sequence of the AUTS2 protein. It affects a nucleotide within the consensus splice site. This variant is present in population databases (rs749032925, gnomAD 0.003%). This variant has not been reported in the literature in individuals affected with AUTS2-related conditions. Variants that disrupt the consensus splice site are a relatively common cause of aberrant splicing (PMID: 17576681, 9536098). Algorithms developed to predict the effect of sequence changes on RNA splicing suggest that this variant may disrupt the consensus splice site. In summary, the available evidence is currently insufficient to determine the role of this variant in disease. Therefore, it has been classified as a Variant of Uncertain Significance.

Literature cited by the submitters: PubMed 17576681; PubMed 9536098.